The following is an entry in ClinVar:

NM_000965.5(RARB):c.1130T>G (p.Leu377Arg)

Gene: RARB (retinoic acid receptor beta; plus strand). Cytogenetic location: 3p24.2.
Variant type: single nucleotide variant.
Coding change: c.1130T>G on transcript NM_000965.5 (MANE Select); coding-DNA position 1130, T replaced by G.
Protein change: p.Leu377Arg; replaces leucine 377 with arginine.
Molecular consequence: missense variant. On other transcripts: non-coding transcript variant (2).
Genome position (GRCh38, 1-based): chr3:25,594,658, T>G. VCF-style: chr3-25594658-T-G. GRCh37 (hg19) VCF-style: chr3-25636149-T-G.
Other names: c.1151T>G, p.Leu384Arg (NM_001290216.3); c.794T>G, p.Leu265Arg (NM_001290217.2, NM_001290276.2, NM_016152.4); c.983T>G, p.Leu328Arg (NM_001290266.2); c.992T>G, p.Leu331Arg (NM_001290277.1); c.1001T>G, p.Leu334Arg (NM_001290300.2); short protein forms L265R, L328R, L331R, L334R, L377R, L384R.
Identifiers: ClinVar variation 4086294 (VCV004086294.1).
Genomic context (GRCh38, chr3:25,594,658, plus strand): 5'-GAAAAAGACGACCCAGCAAGCCTCACATGTTTCCAAAGATCTTAATGAAAATCACAGATC[T>G]CCGTAGCATCAGTGCTAAAGGTATGTCTTCGTGCTCTCAGTACTGTAGTCACACAGTGGA-3'
Protein context (NP_000956.2, residues 367-387): FPKILMKITD[Leu377Arg]RSISAKGAER

ClinVar aggregate classification (germline): Uncertain significance (1 of 4 stars; one submission).

Submission:

GeneDx
Classification: Uncertain significance. Last evaluated: 2025-03-20. Review status: criteria provided, single submitter. Criteria: GeneDx Variant Classification Process June 2021. Collection method: clinical testing. Allele origin: germline. Affected: yes.
Comment: Not observed at significant frequency in large population cohorts (gnomAD); In silico analysis supports that this missense variant has a deleterious effect on protein structure/function; Has not been previously published as pathogenic or benign to our knowledge